The following is an entry in ClinVar:

ClinVar aggregate classification (germline): Likely pathogenic. Review status: criteria provided, single submitter (1 of 4 stars). 2 submissions from 2 submitters: Likely pathogenic (1). 1 of the submissions does not count toward it. Last evaluated 2011-10-12.
ClinVar aggregate classification (somatic clinical impact): Tier I - Strong (1 of 4 stars; one submission).

Conditions:
Non-small cell lung carcinoma (NSCLC). Also called: Non-small cell lung cancer. Identifiers: MedGen C0007131, MeSH D002289, MONDO:0005233, HP:0030358. Disease mechanism: Other.
Pilocytic astrocytoma. Also called: Pilocytic astrocytoma, somatic. Identifiers: Orphanet 251612, MedGen C0334583, MONDO:0016691, HP:0033680.

Submissions (3):

Institute for Genomic Medicine (IGM) Clinical Laboratory, Nationwide Children's Hospital
Classification: Tier I - Strong for Pilocytic astrocytoma. Assertion type: diagnostic. Clinical significance: supports diagnosis. Last evaluated: 2024-05-17. Review status: criteria provided, single submitter. Criteria: AMP/ASCO/CAP Guidelines, 2017. Collection method: clinical testing. Allele origin: somatic. Affected: yes.
Comment: Variant has Tier I (strong) clinical significance as a diagnostic inclusion criterion in pilocytic astrocytoma, based on the following evidence: 1) Appears in one or more well-established professional guidelines (e.g., World Health Organization [WHO]; National Comprehensive Cancer Network [NCCN]) as providing diagnostic, prognostic, or therapeutic information. 2) Diagnostic for a specific tumor type/classification according to professional guidelines (Evidence Level A).

Laboratory for Molecular Medicine, Mass General Brigham Personalized Medicine
Classification: Likely pathogenic for Non-small cell lung carcinoma. Last evaluated: 2011-10-12. Review status: criteria provided, single submitter. Criteria: LMM Criteria. Collection method: clinical testing. Allele origin: somatic. Observed: 1 variant allele.
Comment: Positive. The Val600_Lys601delinsGlu variant has not been previously reported i n lung tumors, but has been reported as a confirmed somatic variant in papillary thyroid carcinomas (COSMIC). Somatic BRAF variants have been identified in up t o 3% of cases of lung adenocarcinoma (Davies 2002).

Department of Pathology and Laboratory Medicine, Sinai Health System
Classification: Uncertain significance. Review status: no assertion criteria provided. Collection method: clinical testing. Allele origin: unknown. Affected: yes. Observed: 1 variant allele. Study: The Canadian Open Genetics Repository (COGR). Not counted in ClinVar's aggregate classification.

Literature cited by the submitters: PubMed 12068308 (cited by Laboratory for Molecular Medicine, Mass General Brigham Personalized Medicine).

NM_004333.6(BRAF):c.1799_1801del (p.Val600_Lys601delinsGlu)

Gene: BRAF (B-Raf proto-oncogene, serine/threonine kinase; minus strand). Cytogenetic location: 7q34.
Variant type: Deletion.
Coding change: c.1799_1801del on transcript NM_004333.6 (MANE Select); coding-DNA positions 1799 to 1801, 3 bases deleted (TGA; older notation c.1799_1801delTGA).
Protein change: p.Val600_Lys601delinsGlu.
Molecular consequence: inframe indel.
Genome position (GRCh38, 1-based): chr7:140,753,334-140,753,336, TCA deleted on the plus strand (TGA on the coding strand, the reverse complement: BRAF is on the minus strand). VCF-style (leftmost placement, unchanged base first): chr7-140753333-TTCA-T. GRCh37 (hg19) VCF-style: chr7-140453133-TTCA-T.
Other names: c.1799_1801del, p.Val600_Lys601delinsGlu (NM_001354609.2, NM_001378468.1, NM_001378474.1); c.1919_1921del, p.Val640_Lys641delinsGlu (NM_001374244.1, NM_001374258.1); c.1808_1810del, p.Val603_Lys604delinsGlu (NM_001378467.1); c.1733_1735del, p.Val578_Lys579delinsGlu (NM_001378469.1); c.1697_1699del, p.Val566_Lys567delinsGlu (NM_001378470.1); c.1688_1690del, p.Val563_Lys564delinsGlu (NM_001378471.1); c.1643_1645del, p.Val548_Lys549delinsGlu (NM_001378472.1, NM_001378473.1); c.1535_1537del, p.Val512_Lys513delinsGlu (NM_001378475.1).
Identifiers: ClinVar variation 44817 (VCV000044817.6), dbSNP rs397516897, ClinGen allele CA135107.